The following is an entry in ClinVar:

ClinVar aggregate classification (germline): Likely benign (0 of 4 stars; one submission).

Conditions:
FLT4-related disorder. Also called: FLT4-related condition.

Allele frequency attached by ClinVar (database versions not stated): ExAC 0.00009; ESP Exome Variant Server 0.00015; TOPMed 0.00021; gnomAD 0.00026.
gnomAD v4.1: 97 of 1,613,678 alleles (0.006%); highest among the groups gnomAD compares: African/African-American, 0.081%; no homozygotes.

Submission:

PreventionGenetics, part of Exact Sciences
Classification: Likely benign for FLT4-related condition. Last evaluated: 2019-11-14. Review status: no assertion criteria provided. Collection method: clinical testing. Allele origin: germline.
Comment: This variant is classified as likely benign based on ACMG/AMP sequence variant interpretation guidelines (Richards et al. 2015 PMID: 25741868, with internal and published modifications).

NM_182925.5(FLT4):c.3885C>T (p.Ser1295=)

Gene: FLT4 (fms related receptor tyrosine kinase 4; minus strand). Cytogenetic location: 5q35.3.
Variant type: single nucleotide variant.
Coding change: c.3885C>T on transcript NM_182925.5 (MANE Select); coding-DNA position 3885, C replaced by T.
Protein change: p.Ser1295=; no amino-acid change (serine 1295 retained).
Molecular consequence: synonymous variant.
Genome position (GRCh38, 1-based): chr5:180,608,976, G>A on the plus strand (C>T on the coding strand, the complement: FLT4 is on the minus strand). VCF-style: chr5-180608976-G-A. GRCh37 (hg19) VCF-style: chr5-180035976-G-A.
Other names: c.3885C>T, p.Ser1295= (NM_001354989.2, NM_002020.5).
Identifiers: ClinVar variation 3045605 (VCV003045605.2), dbSNP rs141496824, ClinGen allele CA3605658.